The following is an entry in ClinVar:

NM_001364905.1(LRBA):c.3266A>T (p.Asp1089Val)

Gene: LRBA (LPS responsive beige-like anchor protein; minus strand). Cytogenetic location: 4q31.3.
Variant type: single nucleotide variant.
Coding change: c.3266A>T on transcript NM_001364905.1 (MANE Select); coding-DNA position 3266, A replaced by T.
Protein change: p.Asp1089Val; replaces aspartic acid 1089 with valine.
Molecular consequence: missense variant.
Genome position (GRCh38, 1-based): chr4:150,852,444, T>A on the plus strand (A>T on the coding strand, the complement: LRBA is on the minus strand). VCF-style: chr4-150852444-T-A. GRCh37 (hg19) VCF-style: chr4-151773596-T-A.
Other names: c.3266A>T, p.Asp1089Val (NM_001367550.1, NM_006726.5, NM_001199282.3); short protein forms D1089V.
Identifiers: ClinVar variation 649911 (VCV000649911.10), dbSNP rs879878436, ClinGen allele CA107814331.

ClinVar aggregate classification (germline): Uncertain significance (1 of 4 stars; one submission).

Conditions:
Combined immunodeficiency due to LRBA deficiency. Also called: Common variable immunodeficiency 8, with autoimmunity. Identifiers: Orphanet 445018, MedGen C3553512, MONDO:0013863, OMIM 614700.

Allele frequency attached by ClinVar (database versions not stated): gnomAD 0.00001; TOPMed 0.00001; gnomAD exomes 0.00002.
gnomAD v4.1: 27 of 1,613,452 alleles (0.0017%); highest among the groups gnomAD compares: Non-Finnish European, 0.0023%; no homozygotes.

Submission:

Labcorp Genetics (formerly Invitae), Labcorp
Classification: Uncertain significance for Combined immunodeficiency due to LRBA deficiency. Last evaluated: 2024-10-18. Review status: criteria provided, single submitter. Criteria: Invitae Variant Classification Sherloc (09022015). Collection method: clinical testing. Allele origin: germline.
Comment: This sequence change replaces aspartic acid, which is acidic and polar, with valine, which is neutral and non-polar, at codon 1089 of the LRBA protein (p.Asp1089Val). This variant is not present in population databases (gnomAD no frequency). This variant has not been reported in the literature in individuals affected with LRBA-related conditions. ClinVar contains an entry for this variant (Variation ID: 649911). Invitae Evidence Modeling of protein sequence and biophysical properties (such as structural, functional, and spatial information, amino acid conservation, physicochemical variation, residue mobility, and thermodynamic stability) indicates that this missense variant is not expected to disrupt LRBA protein function with a negative predictive value of 80%. In summary, the available evidence is currently insufficient to determine the role of this variant in disease. Therefore, it has been classified as a Variant of Uncertain Significance.